The following is an entry in ClinVar:

ClinVar aggregate classification (germline): Uncertain significance (1 of 4 stars; one submission).

Submission:

Labcorp Genetics (formerly Invitae), Labcorp
Classification: Uncertain significance. Last evaluated: 2024-03-15. Review status: criteria provided, single submitter. Criteria: Invitae Variant Classification Sherloc (09022015). Collection method: clinical testing. Allele origin: germline.
Comment: This sequence change replaces tyrosine, which is neutral and polar, with asparagine, which is neutral and polar, at codon 1825 of the ANK3 protein (p.Tyr1825Asn). This variant is not present in population databases (gnomAD no frequency). This variant has not been reported in the literature in individuals affected with ANK3-related conditions. Advanced modeling of protein sequence and biophysical properties (such as structural, functional, and spatial information, amino acid conservation, physicochemical variation, residue mobility, and thermodynamic stability) has been performed at Invitae for this missense variant, however the output from this modeling did not meet the statistical confidence thresholds required to predict the impact of this variant on ANK3 protein function. In summary, the available evidence is currently insufficient to determine the role of this variant in disease. Therefore, it has been classified as a Variant of Uncertain Significance.

NM_020987.5(ANK3):c.5473T>A (p.Tyr1825Asn)

Gene: ANK3 (ankyrin 3; minus strand). Cytogenetic location: 10q21.2.
Variant type: single nucleotide variant.
Coding change: c.5473T>A on transcript NM_020987.5 (MANE Select); coding-DNA position 5473, T replaced by A.
Protein change: p.Tyr1825Asn; replaces tyrosine 1825 with asparagine.
Molecular consequence: missense variant. On other transcripts: intron variant (4).
Genome position (GRCh38, 1-based): chr10:60,075,408, A>T on the plus strand (T>A on the coding strand, the complement: ANK3 is on the minus strand). VCF-style: chr10-60075408-A-T. GRCh37 (hg19) VCF-style: chr10-61835166-A-T.
Other names: c.4387+5129T>A (NM_001204403.2); c.4408+5129T>A (NM_001204404.2); c.4405+5129T>A (NM_001320874.2); c.1807+5129T>A (NM_001149.4); short protein forms Y1825N.
Identifiers: ClinVar variation 3640794 (VCV003640794.2).